The following is an entry in ClinVar:

ClinVar aggregate classification (germline): Uncertain significance. Review status: criteria provided, single submitter (1 of 4 stars). 2 submissions from 2 submitters: Uncertain significance (1). 1 of the submissions does not count toward it. Last evaluated 2021-08-26.

Conditions:
Hereditary insensitivity to pain with anhidrosis (CIPA). Also called: INSENSITIVITY TO PAIN, CONGENITAL, WITH ANHIDROSIS; NEUROPATHY, CONGENITAL SENSORY, WITH ANHIDROSIS; hereditary sensory and autonomic neuropathy type 4; HSAN Type IV; NTRK1 Congenital Insensitivity to Pain with Anhidrosis; FAMILIAL DYSAUTONOMIA, TYPE II. Identifiers: Orphanet 642, MedGen C0020074, MONDO:0009746, OMIM 256800.

Allele frequency attached by ClinVar (database versions not stated): gnomAD exomes below 0.00001; TOPMed 0.00001.
gnomAD v4.1: 6 of 1,588,326 alleles (0.00038%); highest among the groups gnomAD compares: Non-Finnish European, 0.00034%; no homozygotes.

Submissions (2):

Labcorp Genetics (formerly Invitae), Labcorp
Classification: Uncertain significance for Hereditary insensitivity to pain with anhidrosis. Last evaluated: 2021-08-26. Review status: criteria provided, single submitter. Criteria: Invitae Variant Classification Sherloc (09022015). Collection method: clinical testing. Allele origin: germline.
Comment: This sequence change replaces glycine with serine at codon 368 of the NTRK1 protein (p.Gly368Ser). The glycine residue is highly conserved and there is a small physicochemical difference between glycine and serine. This variant is not present in population databases (ExAC no frequency). This variant has not been reported in the literature in individuals affected with NTRK1-related conditions. ClinVar contains an entry for this variant (Variation ID: 949247). Algorithms developed to predict the effect of missense changes on protein structure and function (SIFT, PolyPhen-2, Align-GVGD) all suggest that this variant is likely to be disruptive. Algorithms developed to predict the effect of sequence changes on RNA splicing suggest that this variant may create or strengthen a splice site. In summary, the available evidence is currently insufficient to determine the role of this variant in disease. Therefore, it has been classified as a Variant of Uncertain Significance.

Natera, Inc.
Classification: Uncertain significance for Hereditary insensitivity to pain with anhidrosis. Last evaluated: 2020-06-01. Review status: no assertion criteria provided. Collection method: clinical testing. Allele origin: germline. Not counted in ClinVar's aggregate classification.

NM_002529.4(NTRK1):c.1102G>A (p.Gly368Ser)

Gene: NTRK1 (neurotrophic receptor tyrosine kinase 1; plus strand). Cytogenetic location: 1q23.1.
Variant type: single nucleotide variant.
Coding change: c.1102G>A on transcript NM_002529.4 (MANE Select); coding-DNA position 1102, G replaced by A.
Protein change: p.Gly368Ser; replaces glycine 368 with serine.
Molecular consequence: missense variant.
Genome position (GRCh38, 1-based): chr1:156,873,884, G>A. VCF-style: chr1-156873884-G-A. GRCh37 (hg19) VCF-style: chr1-156843676-G-A.
Other names: c.1012G>A, p.Gly338Ser (NM_001007792.1); c.1102G>A, p.Gly368Ser (NM_001012331.2); short protein forms G338S, G368S.
Identifiers: ClinVar variation 949247 (VCV000949247.9), dbSNP rs866261145, ClinGen allele CA31115458.